The following is an entry in ClinVar:

NM_207352.4(CYP4V2):c.1376C>T (p.Pro459Leu)

Gene: CYP4V2 (cytochrome P450 family 4 subfamily V member 2; plus strand). Cytogenetic location: 4q35.2.
Variant type: single nucleotide variant.
Coding change: c.1376C>T on transcript NM_207352.4 (MANE Select); coding-DNA position 1376, C replaced by T.
Protein change: p.Pro459Leu; replaces proline 459 with leucine.
Molecular consequence: missense variant.
Genome position (GRCh38, 1-based): chr4:186,209,243, C>T. VCF-style: chr4-186209243-C-T. GRCh37 (hg19) VCF-style: chr4-187130397-C-T.
Other names: short protein forms P459L.
Identifiers: ClinVar variation 1417651 (VCV001417651.7), dbSNP rs1270828621, ClinGen allele CA358950662.
Genomic context (GRCh38, chr4:186,209,243, plus strand): 5'-TCCAGCCTGAGCGGTTCTTCCCCGAGAATGCACAAGGGCGCCATCCATATGCCTACGTGC[C>T]CTTCTCTGCTGGCCCCAGGAACTGTATAGGTTTGTATCCATCTGAATTGGTTTGACCTTT-3'
Protein context (NP_997235.3, residues 449-469): AQGRHPYAYV[Pro459Leu]FSAGPRNCIG

ClinVar aggregate classification (germline): Uncertain significance. Review status: criteria provided, multiple submitters, no conflicts (2 of 4 stars). 2 submissions from 2 submitters: Uncertain significance (2). Last evaluated 2022-01-06.

Allele frequency attached by ClinVar (database versions not stated): gnomAD exomes below 0.00001.
gnomAD v4.1: 1 of 1,613,792 alleles (0.000062%); highest among the groups gnomAD compares: Admixed American, 0.0017%; no homozygotes.

Submissions (2):

Labcorp Genetics (formerly Invitae), Labcorp
Classification: Uncertain significance. Last evaluated: 2022-01-06. Review status: criteria provided, single submitter. Criteria: Invitae Variant Classification Sherloc (09022015). Collection method: clinical testing. Allele origin: germline.
Comment: This sequence change replaces proline, which is neutral and non-polar, with leucine, which is neutral and non-polar, at codon 459 of the CYP4V2 protein (p.Pro459Leu). This variant is present in population databases (no rsID available, gnomAD 0.003%). In summary, the available evidence is currently insufficient to determine the role of this variant in disease. Therefore, it has been classified as a Variant of Uncertain Significance. Advanced modeling of protein sequence and biophysical properties (such as structural, functional, and spatial information, amino acid conservation, physicochemical variation, residue mobility, and thermodynamic stability) performed at Invitae indicates that this missense variant is expected to disrupt CYP4V2 protein function. This variant has not been reported in the literature in individuals affected with CYP4V2-related conditions.

Blueprint Genetics
Classification: Uncertain significance. Last evaluated: 2021-02-19. Review status: criteria provided, single submitter. Criteria: ACMG Guidelines, 2015. Collection method: clinical testing. Allele origin: germline.